The following is an entry in ClinVar:

NM_178822.5(IGSF10):c.5672A>G (p.Asn1891Ser)

Gene: IGSF10 (immunoglobulin superfamily member 10; minus strand). Cytogenetic location: 3q25.1.
Variant type: single nucleotide variant.
Coding change: c.5672A>G on transcript NM_178822.5 (MANE Select); coding-DNA position 5672, A replaced by G.
Protein change: p.Asn1891Ser; replaces asparagine 1891 with serine.
Molecular consequence: missense variant.
Genome position (GRCh38, 1-based): chr3:151,443,275, T>C on the plus strand (A>G on the coding strand, the complement: IGSF10 is on the minus strand). VCF-style: chr3-151443275-T-C. GRCh37 (hg19) VCF-style: chr3-151161063-T-C.
Other names: c.5672A>G, p.Asn1891Ser (NM_001385060.1, NM_001385061.1, NM_001385062.1 and 1 more transcripts); short protein forms N1891S.
Identifiers: ClinVar variation 3528308 (VCV003528308.3).
Genomic context (GRCh38, chr3:151,443,275, plus strand): 5'-TCTGAAGAGGCTAGGTTTCTTATATACAAAGTCCCATTTGAAAATAAGAACAACTTGGAA[T>C]TGGTAAACTGTAATGGTTTCACTTCAGTGCCATCAGAGAGGACCCAGTAAACGCTGGGCT-3'
Protein context (NP_849144.2, residues 1881-1901): GTEVKPLQFT[Asn1891Ser]SKLFLFSNGT

ClinVar aggregate classification (germline): Conflicting classifications of pathogenicity. Review status: criteria provided, conflicting classifications (1 of 4 stars). 2 submissions from 2 submitters: Uncertain significance (1); Likely benign (1). Last evaluated 2025-06-12.

gnomAD v4.1: 23 of 1,612,050 alleles (0.0014%); highest among the groups gnomAD compares: African/African-American, 0.015%; no homozygotes.

Submissions (2):

Labcorp Genetics (formerly Invitae), Labcorp
Classification: Uncertain significance. Last evaluated: 2025-06-12. Review status: criteria provided, single submitter. Criteria: Invitae Variant Classification Sherloc (09022015). Collection method: clinical testing. Allele origin: germline.
Comment: This sequence change replaces asparagine, which is neutral and polar, with serine, which is neutral and polar, at codon 1891 of the IGSF10 protein (p.Asn1891Ser). This variant is present in population databases (rs142403440, gnomAD 0.02%). This variant has not been reported in the literature in individuals affected with IGSF10-related conditions. ClinVar contains an entry for this variant (Variation ID: 3528308). An algorithm developed to predict the effect of missense changes on protein structure and function outputs the following: PolyPhen-2: "Benign". The serine amino acid residue is found in multiple mammalian species, which suggests that this missense change does not adversely affect protein function. In summary, the available evidence is currently insufficient to determine the role of this variant in disease. Therefore, it has been classified as a Variant of Uncertain Significance.

Ambry Genetics
Classification: Likely benign. Last evaluated: 2024-09-11. Review status: criteria provided, single submitter. Criteria: Ambry Variant Classification Scheme 2023. Collection method: clinical testing. Allele origin: germline.